The following is an entry in ClinVar:

ClinVar aggregate classification (germline): Conflicting classifications of pathogenicity. Review status: criteria provided, conflicting classifications (1 of 4 stars). 2 submissions from 2 submitters: Uncertain significance (1); Likely benign (1). Last evaluated 2024-04-11.

Conditions:
Progressive sclerosing poliodystrophy (MTDPS4A). Also called: ALPERS PROGRESSIVE INFANTILE POLIODYSTROPHY; NEURONAL DEGENERATION OF CHILDHOOD WITH LIVER DISEASE, PROGRESSIVE; Mitochondrial DNA depletion syndrome 4A (Alpers type); Alpers Syndrome; ALPERS DIFFUSE DEGENERATION OF CEREBRAL GRAY MATTER WITH HEPATIC CIRRHOSIS; Alpers-Huttenlocher Syndrome. Identifiers: Orphanet 726, MedGen C0205710, MONDO:0008758, OMIM 203700.

Allele frequency attached by ClinVar (database versions not stated): gnomAD 0.00001; gnomAD exomes 0.00001; ExAC 0.00002.
gnomAD v4.1: 3 of 1,614,076 alleles (0.00019%); highest among the groups gnomAD compares: East Asian, 0.0067%; no homozygotes.

Submissions (2):

Labcorp Genetics (formerly Invitae), Labcorp
Classification: Likely benign for Progressive sclerosing poliodystrophy. Last evaluated: 2024-04-11. Review status: criteria provided, single submitter. Criteria: Invitae Variant Classification Sherloc (09022015). Collection method: clinical testing. Allele origin: germline.

Mayo Clinic Laboratories, Mayo Clinic
Classification: Uncertain significance. Last evaluated: 2023-03-31. Review status: criteria provided, single submitter. Criteria: ACMG Guidelines, 2015. Collection method: clinical testing. Allele origin: germline. Observed: 1 variant allele.
Comment: PM2

NM_002693.3(POLG):c.3522C>T (p.Pro1174=)

Gene: POLG (DNA polymerase gamma, catalytic subunit; minus strand). Cytogenetic location: 15q26.1.
Variant type: single nucleotide variant.
Coding change: c.3522C>T on transcript NM_002693.3 (MANE Select); coding-DNA position 3522, C replaced by T.
Protein change: p.Pro1174=; no amino-acid change (proline 1174 retained).
Molecular consequence: synonymous variant.
Genome position (GRCh38, 1-based): chr15:89,317,497, G>A on the plus strand (C>T on the coding strand, the complement: POLG is on the minus strand). VCF-style: chr15-89317497-G-A. GRCh37 (hg19) VCF-style: chr15-89860728-G-A.
Other names: p.Pro1174=; c.3522C>T (NM_002693.2); c.3522C>T, p.Pro1174= (NM_001126131.2).
Identifiers: ClinVar variation 1151735 (VCV001151735.10), dbSNP rs751676137, ClinGen allele CA7724106.